The following is an entry in ClinVar:

ClinVar aggregate classification (germline): Benign. Review status: criteria provided, multiple submitters, no conflicts (2 of 4 stars). 3 submissions from 3 submitters: Benign (3). Last evaluated 2024-07-31.

Allele frequency attached by ClinVar (database versions not stated): ESP Exome Variant Server 0.09702; gnomAD 0.10397 and 0.10478; gnomAD exomes 0.10522; TOPMed 0.10643; 1000 Genomes Project 0.10703; 1000 Genomes Project 30x 0.10899.
gnomAD v4.1: 153,819 of 1,463,332 alleles (11%); highest among the groups gnomAD compares: Admixed American, 17%; 8,403 homozygotes.

Submissions (3):

Unidad de Genómica Garrahan, Hospital de Pediatría Garrahan
Classification: Benign. Last evaluated: 2024-07-31. Review status: criteria provided, single submitter. Criteria: ACMG Guidelines, 2015. Collection method: clinical testing. Allele origin: germline. Affected: no. Observed: 34 variant alleles.
Comment: This variant is classified as Benign based on local population frequency. This variant was detected in 37% of patients studied in a panel designed for Epileptic and Developmental Encephalopathy, Progressive Myoclonus Epilepsy and Abnormal Movements and Neurodegeneration with brain iron accumulation. Number of patients: 34. Only high quality variants are reported.

GeneDx
Classification: Benign. Last evaluated: 2018-06-26. Review status: criteria provided, single submitter. Criteria: GeneDx Variant Classification Process June 2021. Collection method: clinical testing. Allele origin: germline. Affected: yes.

Breakthrough Genomics
Classification: Benign. Review status: criteria provided, single submitter. Criteria: ACMG Guidelines, 2015. Collection method: not provided. Allele origin: germline. Inheritance: Autosomal recessive inheritance. Affected: yes.

NM_004369.4(COL6A3):c.7093-74T>C

Gene: COL6A3 (collagen type VI alpha 3 chain; minus strand). Cytogenetic location: 2q37.3.
Variant type: single nucleotide variant.
Coding change: c.7093-74T>C on transcript NM_004369.4 (MANE Select); 74 bases into the intron before coding-DNA position 7093, T replaced by C.
Molecular consequence: intron variant.
Genome position (GRCh38, 1-based): chr2:237,345,287, A>G on the plus strand (T>C on the coding strand, the complement: COL6A3 is on the minus strand). VCF-style: chr2-237345287-A-G. GRCh37 (hg19) VCF-style: chr2-238253930-A-G.
Other names: c.5272-74T>C (NM_057166.5); c.6475-74T>C (NM_057167.4).
Identifiers: ClinVar variation 1237536 (VCV001237536.6), dbSNP rs2256485, ClinGen allele CA11175394.
Genomic context (GRCh38, chr2:237,345,287, plus strand): 5'-GAACGAAAGGTGAGAGGCACAGCAGATGGGGAATTCGAATAAACAGGCTTTGGCCCCCAG[A>G]AATACACAGAGCAAGACAAAGGGGCCCCTGGATAACCTTGATTGTTTACAGCCTCTCCCT-3'